The following is an entry in ClinVar:

NM_182961.4(SYNE1):c.22016C>A (p.Ala7339Asp)

Gene: SYNE1 (spectrin repeat containing nuclear envelope protein 1; minus strand). Cytogenetic location: 6q25.2.
Variant type: single nucleotide variant.
Coding change: c.22016C>A on transcript NM_182961.4 (MANE Select); coding-DNA position 22016, C replaced by A.
Protein change: p.Ala7339Asp; replaces alanine 7339 with aspartic acid.
Molecular consequence: missense variant.
Genome position (GRCh38, 1-based): chr6:152,219,031, G>T on the plus strand (C>A on the coding strand, the complement: SYNE1 is on the minus strand). VCF-style: chr6-152219031-G-T. GRCh37 (hg19) VCF-style: chr6-152540166-G-T.
Other names: p.Ala7268Asp; c.21803C>A, p.Ala7268Asp (NM_033071.5); short protein forms A7339D, A7268D.
Identifiers: ClinVar variation 355827 (VCV000355827.13), dbSNP rs146907132, ClinGen allele CA4053997.

ClinVar aggregate classification (germline): Conflicting classifications of pathogenicity. Review status: criteria provided, conflicting classifications (1 of 4 stars). 9 submissions from 8 submitters: Uncertain significance (6); Likely benign (1). 2 of the submissions do not count toward it. Last evaluated 2025-10-20.

Conditions:
Inborn genetic diseases. Identifiers: MedGen C0950123, MeSH D030342.
Autosomal recessive ataxia, Beauce type. Also called: Spinocerebellar ataxia, autosomal recessive 8; ATAXIA, RECESSIVE, OF BEAUCE; SYNE1-Related Autosomal Recessive Cerebellar Ataxia; SYNE1 Deficiency. Identifiers: Orphanet 88644, MedGen C1853116, MONDO:0012549, OMIM 610743.
Emery-Dreifuss muscular dystrophy 4, autosomal dominant (EDMD4). Also called: EMERY-DREIFUSS MUSCULAR DYSTROPHY 4 WITH VARIABLE FEATURES. Identifiers: Orphanet 261, MedGen C2751807, MONDO:0013071, OMIM 612998.

Allele frequency attached by ClinVar (database versions not stated): gnomAD exomes 0.00004 and 0.00005; TOPMed 0.00004; ExAC 0.00005; gnomAD 0.00006 and 0.00007; ESP Exome Variant Server 0.00008.
gnomAD v4.1: 73 of 1,614,112 alleles (0.0045%); highest among the groups gnomAD compares: Middle Eastern, 0.016%; no homozygotes.

Submissions (9):

Mayo Clinic Laboratories, Mayo Clinic
Classification: Uncertain significance. Last evaluated: 2025-10-20. Review status: criteria provided, single submitter. Criteria: ACMG Guidelines, 2015. Collection method: clinical testing. Allele origin: germline. Observed: 1 variant allele.

Blueprint Genetics
Classification: Uncertain significance. Last evaluated: 2024-03-20. Review status: criteria provided, single submitter. Criteria: ACMG Guidelines, 2015. Collection method: clinical testing. Allele origin: germline.

Labcorp Genetics (formerly Invitae), Labcorp
Classification: Uncertain significance for Emery-Dreifuss muscular dystrophy 4, autosomal dominant; Autosomal recessive ataxia, Beauce type. Last evaluated: 2022-07-25. Review status: criteria provided, single submitter. Criteria: Invitae Variant Classification Sherloc (09022015). Collection method: clinical testing. Allele origin: germline.
Comment: This sequence change replaces alanine, which is neutral and non-polar, with aspartic acid, which is acidic and polar, at codon 7268 of the SYNE1 protein (p.Ala7268Asp). This variant is present in population databases (rs146907132, gnomAD 0.009%). This variant has not been reported in the literature in individuals affected with SYNE1-related conditions. ClinVar contains an entry for this variant (Variation ID: 355827). Algorithms developed to predict the effect of missense changes on protein structure and function (SIFT, PolyPhen-2, Align-GVGD) all suggest that this variant is likely to be disruptive. In summary, the available evidence is currently insufficient to determine the role of this variant in disease. Therefore, it has been classified as a Variant of Uncertain Significance.

Athena Diagnostics
Classification: Uncertain significance. Last evaluated: 2021-11-19. Review status: criteria provided, single submitter. Criteria: Athena Diagnostics Criteria. Collection method: clinical testing. Allele origin: unknown.

Ambry Genetics
Classification: Uncertain significance for Inborn genetic diseases. Last evaluated: 2021-09-27. Review status: criteria provided, single submitter. Criteria: Ambry Variant Classification Scheme 2023. Collection method: clinical testing. Allele origin: germline.

Illumina Laboratory Services, Illumina
Classification: Uncertain significance for Autosomal recessive ataxia, Beauce type. Last evaluated: 2018-01-13. Review status: criteria provided, single submitter. Criteria: ICSL Variant Classification Criteria 13 December 2019. Collection method: clinical testing. Allele origin: germline.

Illumina Laboratory Services, Illumina
Classification: Likely benign for Emery-Dreifuss muscular dystrophy 4, autosomal dominant. Last evaluated: 2018-01-13. Review status: criteria provided, single submitter. Criteria: ICSL Variant Classification Criteria 13 December 2019. Collection method: clinical testing. Allele origin: germline.
Comment: This variant was observed in the ICSL laboratory as part of a predisposition screen in an ostensibly healthy population. It had not been previously curated by ICSL or reported in the Human Gene Mutation Database (HGMD: prior to June 1st, 2018), and was therefore a candidate for classification through an automated scoring system. Utilizing variant allele frequency, disease prevalence and penetrance estimates, and inheritance mode, an automated score was calculated to assess if this variant is too frequent to cause the disease. Based on the score and internal cut-off values, a variant classified as likely benign is not then subjected to further curation. The score for this variant resulted in a classification of likely benign for this disease.

Genome Diagnostics Laboratory, University Medical Center Utrecht
Classification: Uncertain significance. Review status: no assertion criteria provided. Collection method: clinical testing. Allele origin: germline. Affected: yes. Study: VKGL Data-share Consensus. Not counted in ClinVar's aggregate classification.

Laboratory of Diagnostic Genome Analysis, Leiden University Medical Center (LUMC)
Classification: Uncertain significance. Review status: no assertion criteria provided. Collection method: clinical testing. Allele origin: germline. Affected: yes. Study: VKGL Data-share Consensus. Not counted in ClinVar's aggregate classification.